The following is an entry in ClinVar:

ClinVar aggregate classification (germline): Uncertain significance. Review status: criteria provided, multiple submitters, no conflicts (2 of 4 stars). 2 submissions from 2 submitters: Uncertain significance (2). Last evaluated 2023-09-13.

Conditions:
Inborn genetic diseases. Identifiers: MedGen C0950123, MeSH D030342.

Allele frequency attached by ClinVar (database versions not stated): gnomAD exomes 0.00001; ExAC 0.00002; gnomAD 0.00002; TOPMed 0.00002.
gnomAD v4.1: 10 of 1,613,100 alleles (0.00062%); highest among the groups gnomAD compares: Admixed American, 0.01%; no homozygotes.

Submissions (2):

Ambry Genetics
Classification: Uncertain significance for Inborn genetic diseases. Last evaluated: 2023-09-13. Review status: criteria provided, single submitter. Criteria: Ambry Variant Classification Scheme 2023. Collection method: clinical testing. Allele origin: germline.

Labcorp Genetics (formerly Invitae), Labcorp
Classification: Uncertain significance. Last evaluated: 2022-04-07. Review status: criteria provided, single submitter. Criteria: Invitae Variant Classification Sherloc (09022015). Collection method: clinical testing. Allele origin: germline.
Comment: In summary, the available evidence is currently insufficient to determine the role of this variant in disease. Therefore, it has been classified as a Variant of Uncertain Significance. Algorithms developed to predict the effect of missense changes on protein structure and function (SIFT, PolyPhen-2, Align-GVGD) all suggest that this variant is likely to be tolerated. This variant has not been reported in the literature in individuals affected with C2CD3-related conditions. This variant is present in population databases (rs766499226, gnomAD 0.03%). This sequence change replaces valine, which is neutral and non-polar, with alanine, which is neutral and non-polar, at codon 603 of the C2CD3 protein (p.Val603Ala).

NM_001286577.2(C2CD3):c.1808T>C (p.Val603Ala)

Gene: C2CD3 (C2 domain containing 3 centriole elongation regulator; minus strand). Cytogenetic location: 11q13.4.
Variant type: single nucleotide variant.
Coding change: c.1808T>C on transcript NM_001286577.2 (MANE Select); coding-DNA position 1808, T replaced by C.
Protein change: p.Val603Ala; replaces valine 603 with alanine.
Molecular consequence: missense variant.
Genome position (GRCh38, 1-based): chr11:74,113,815, A>G on the plus strand (T>C on the coding strand, the complement: C2CD3 is on the minus strand). VCF-style: chr11-74113815-A-G. GRCh37 (hg19) VCF-style: chr11-73824860-A-G.
Other names: c.1808T>C, p.Val603Ala (NM_015531.6); c.1808T>C (NM_015531.4); short protein forms V603A.
Identifiers: ClinVar variation 1913682 (VCV001913682.7), dbSNP rs766499226, ClinGen allele CA6182849.